The following is an entry in ClinVar:

NM_000059.4(BRCA2):c.1266del (p.Asn422fs)

Gene: BRCA2 (BRCA2 DNA repair associated; plus strand). Cytogenetic location: 13q13.1.
Variant type: Deletion.
Coding change: c.1266del on transcript NM_000059.4 (MANE Select); coding-DNA position 1266, one base deleted (T; older notation c.1266delT).
Protein change: p.Asn422fs; shifts the reading frame from asparagine 422.
Molecular consequence: frameshift variant.
Genome position (GRCh38, 1-based): chr13:32,332,744, T deleted. VCF-style (leftmost placement, unchanged base first): chr13-32332743-AT-A. GRCh37 (hg19) VCF-style: chr13-32906880-AT-A.
Other names: c.1266delT, p.Asn422Lysfs (NM_001406719.1, NM_001406720.1, NM_001406721.1); short protein forms N422fs.
Identifiers: ClinVar variation 2105154 (VCV002105154.4), dbSNP rs2548519906, ClinGen allele CA2580086982.

ClinVar aggregate classification (germline): Pathogenic (1 of 4 stars; one submission).

Conditions:
Hereditary breast ovarian cancer syndrome. Also called: Hereditary breast and ovarian cancer; Hereditary breast and ovarian cancer syndrome; Breast and ovarian cancer; BRCA1- and BRCA2-Associated Hereditary Breast and Ovarian Cancer; Hereditary breast and/or ovarian cancer syndrome; Hereditary breast and ovarian cancer syndrome (HBOC). Identifiers: Orphanet 145, MedGen C0677776, MeSH D061325, MONDO:0003582. Disease mechanism: loss of function.

Submission:

Labcorp Genetics (formerly Invitae), Labcorp
Classification: Pathogenic for Hereditary breast ovarian cancer syndrome. Last evaluated: 2022-03-01. Review status: criteria provided, single submitter. Criteria: Invitae Variant Classification Sherloc (09022015). Collection method: clinical testing. Allele origin: germline.
Comment: This variant has not been reported in the literature in individuals affected with BRCA2-related conditions. This variant is not present in population databases (gnomAD no frequency). This sequence change creates a premature translational stop signal (p.Asn422Lysfs*8) in the BRCA2 gene. It is expected to result in an absent or disrupted protein product. Loss-of-function variants in BRCA2 are known to be pathogenic (PMID: 20104584). For these reasons, this variant has been classified as Pathogenic.

Literature cited by the submitters: PubMed 20104584.